The following is an entry in ClinVar:

NM_001355436.2(SPTB):c.6074T>G (p.Leu2025Arg)

Gene: SPTB (spectrin beta, erythrocytic; minus strand). Cytogenetic location: 14q23.3.
Variant type: single nucleotide variant.
Coding change: c.6074T>G on transcript NM_001355436.2 (MANE Select); coding-DNA position 6074, T replaced by G.
Protein change: p.Leu2025Arg; replaces leucine 2025 with arginine.
Molecular consequence: missense variant.
Genome position (GRCh38, 1-based): chr14:64,767,808, A>C on the plus strand (T>G on the coding strand, the complement: SPTB is on the minus strand). VCF-style: chr14-64767808-A-C. GRCh37 (hg19) VCF-style: chr14-65234526-A-C.
Other names: c.6074T>G, p.Leu2025Arg (NM_001024858.4, NM_001355437.2); c.6074T>G (NM_001024858.2); short protein forms L2025R.
Identifiers: ClinVar variation 12839 (VCV000012839.8), dbSNP rs121918649, ClinGen allele CA122743.
Genomic context (GRCh38, chr14:64,767,808, plus strand): 5'-TCCACACTGTCCACTGTGTGTCCAAAGTCCCCGCTGGCCAGGTAGGGCTCCTGGGCAATC[A>C]GCCACGCCTCAGCCACAGAGGCATCCCTCGAGAACTGGCACACCTCCAGCACTGCCAGGG-3'
Protein context (NP_001342365.1, residues 2015-2035): SRDASVAEAW[Leu2025Arg]IAQEPYLASG

ClinVar aggregate classification (germline): Conflicting classifications of pathogenicity. Review status: criteria provided, conflicting classifications (1 of 4 stars). 4 submissions from 4 submitters: Likely pathogenic (1); Uncertain significance (1). 2 of the submissions do not count toward it. Last evaluated 2024-04-03.

Conditions:
SPTB-related disorder. Also called: SPTB-Related Disorders; SPTB-related condition.
ANEMIA, PERINATAL HEMOLYTIC, FATAL OR NEAR-FATAL. Identifiers: MedGen CN244559, OMIM 617948.
Hereditary spherocytosis type 2. Also called: SPHEROCYTOSIS, TYPE 2, AUTOSOMAL DOMINANT. Identifiers: Orphanet 822, MedGen C2674219, MONDO:0000913, OMIM 616649.

Submissions (4):

Revvity Omics, Revvity
Classification: Likely pathogenic. Last evaluated: 2024-04-03. Review status: criteria provided, single submitter. Criteria: ACMG Guidelines, 2015. Collection method: clinical testing. Allele origin: germline.

Broad Center for Mendelian Genomics, Broad Institute of MIT and Harvard
Classification: Uncertain significance for Hereditary spherocytosis type 2. Last evaluated: 2018-12-03. Review status: criteria provided, single submitter. Criteria: ACMG Guidelines, 2015. Collection method: research. Allele origin: germline. Inheritance: Autosomal dominant inheritance. Affected: yes.
Comment: This variant was absent from large population studies. Computational prediction tools and conservation analyses suggest that this variant may impact the protein, though this information is not predictive enough to determine pathogenicity. In summary, the clinical significance of the p.Leu2025Arg variant is uncertain. ACMG/AMP Criteria applied: PM2, PP3 (Richards 2015).

PreventionGenetics, part of Exact Sciences
Classification: Pathogenic for SPTB-related condition. Last evaluated: 2024-09-12. Review status: no assertion criteria provided. Collection method: clinical testing. Allele origin: germline. Not counted in ClinVar's aggregate classification.
Comment: The SPTB c.6074T>G variant is predicted to result in the amino acid substitution p.Leu2025Arg. This variant is also known as spectrin Buffalo and has been noted to be common in individuals with hemolytic anemia in the Thai population (Songdej et al. 2024. PubMed ID: 35819869). It has been reported in the homozygous or compound heterozygous states in individuals with severe inherited hemolytic anemia (Gallagher et al. 1997. PubMed ID: 9005995; Ittiwut et al. 2018. PubMed ID: 30198572; Songdej et al. 2024. PubMed ID: 37996759). Individuals heterozygous for this variant have been reported to have a milder elliptocytosis phenotype (Gallagher et al. 1997. PubMed ID: 9005995; Songdej et al. 2024. PubMed ID: 37996759). This variant has not been reported in a large population database, indicating this variant is rare. This variant is interpreted to be pathogenic.

OMIM
Classification: Pathogenic for ANEMIA, PERINATAL HEMOLYTIC, FATAL OR NEAR-FATAL. Last evaluated: 1995-03-01. Review status: no assertion criteria provided. Collection method: literature only. Allele origin: germline. Not counted in ClinVar's aggregate classification.

Literature cited by the submitters: Gallagher, P. G., Weed, S. A., Tse, W. T., Benoit, L., Morrow, J. S., Marchesi, S. L., Mohandas, N., Forget, B. G. Recurrent fatal hydrops fetalis associated with a nucleotide substitution in the erythrocyte beta-spectrin gene. J. Clin. Invest. 95: 1174-1182, 1995. (cited by OMIM).